The following is an entry in ClinVar:

ClinVar aggregate classification (germline): Uncertain significance (1 of 4 stars; one submission).

Conditions:
Congenital myotonia, autosomal recessive form. Also called: BECKER DISEASE; Becker Generalized Myotonia; myotonia congenita, autosomal recessive. Identifiers: Orphanet 614, MedGen C0751360, MONDO:0009715, OMIM 255700.
Congenital myotonia, autosomal dominant form (THD). Also called: THOMSEN DISEASE; Myotonia congenita autosomal dominant. Identifiers: Orphanet 614, MedGen C2936781, MONDO:0008055, OMIM 160800.

Submission:

Labcorp Genetics (formerly Invitae), Labcorp
Classification: Uncertain significance for Congenital myotonia, autosomal recessive form; Congenital myotonia, autosomal dominant form. Last evaluated: 2021-10-21. Review status: criteria provided, single submitter. Criteria: Invitae Variant Classification Sherloc (09022015). Collection method: clinical testing. Allele origin: germline.
Comment: In summary, the available evidence is currently insufficient to determine the role of this variant in disease. Therefore, it has been classified as a Variant of Uncertain Significance. Algorithms developed to predict the effect of missense changes on protein structure and function are either unavailable or do not agree on the potential impact of this missense change (SIFT: "Tolerated"; PolyPhen-2: "Possibly Damaging"; Align-GVGD: "Class C0"). This variant has not been reported in the literature in individuals affected with CLCN1-related conditions. This variant is not present in population databases (ExAC no frequency). This sequence change replaces threonine with proline at codon 426 of the CLCN1 protein (p.Thr426Pro). The threonine residue is moderately conserved and there is a small physicochemical difference between threonine and proline.

NM_000083.3(CLCN1):c.1276A>C (p.Thr426Pro)

Gene: CLCN1 (chloride voltage-gated channel 1; plus strand). Cytogenetic location: 7q34.
Variant type: single nucleotide variant.
Coding change: c.1276A>C on transcript NM_000083.3 (MANE Select); coding-DNA position 1276, A replaced by C.
Protein change: p.Thr426Pro; replaces threonine 426 with proline.
Molecular consequence: missense variant.
Genome position (GRCh38, 1-based): chr7:143,332,748, A>C. VCF-style: chr7-143332748-A-C. GRCh37 (hg19) VCF-style: chr7-143029841-A-C.
Other names: short protein forms T426P.
Identifiers: ClinVar variation 1411357 (VCV001411357.6), dbSNP rs749846585, ClinGen allele CA369643829.
Genomic context (GRCh38, chr7:143,332,748, plus strand): 5'-TGGAGAACCCACCCTTTCTGCTTCTTCCTCTCCCAGTTGATGCCCCGCGAAGCCATCAGT[A>C]CTTTGTTTGACAACAATACATGGGTGAAACACGCGGGTGATCCTGAGAGCCTGGGCCAGT-3'
Protein context (NP_000074.3, residues 416-436): GELMPREAIS[Thr426Pro]LFDNNTWVKH